The following is an entry in ClinVar:

NM_001845.6(COL4A1):c.1802G>C (p.Gly601Ala)

Gene: COL4A1 (collagen type IV alpha 1 chain; minus strand). Cytogenetic location: 13q34.
Variant type: single nucleotide variant.
Coding change: c.1802G>C on transcript NM_001845.6 (MANE Select); coding-DNA position 1802, G replaced by C.
Protein change: p.Gly601Ala; replaces glycine 601 with alanine.
Molecular consequence: missense variant.
Genome position (GRCh38, 1-based): chr13:110,186,480, C>G on the plus strand (G>C on the coding strand, the complement: COL4A1 is on the minus strand). VCF-style: chr13-110186480-C-G. GRCh37 (hg19) VCF-style: chr13-110838827-C-G.
Other names: short protein forms G601A.
Identifiers: ClinVar variation 4975190 (VCV004975190.1).
Genomic context (GRCh38, chr13:110,186,480, plus strand): 5'-CCTGCTTGTCCTTTGTCACCAATGGGACCAGCAGGACCATATCCTGGAGGCCCAGGGGGG[C>G]CGGTGTCACCACGACTGCCTGGGAATCCAACTCCTCCAGGGGGGCCACGCTCTCCTTTCA-3'
Protein context (NP_001836.3, residues 591-611): VGFPGSRGDT[Gly601Ala]PPGPPGYGPA

ClinVar aggregate classification (germline): Pathogenic (1 of 4 stars; one submission).

gnomAD v4.1: 1 of 1,613,820 alleles (0.000062%); highest among the groups gnomAD compares: Non-Finnish European, 0.000085%; no homozygotes.

Submission:

GeneDx
Classification: Pathogenic. Last evaluated: 2026-03-10. Review status: criteria provided, single submitter. Criteria: GeneDx Variant Classification Process June 2021. Collection method: clinical testing. Allele origin: germline.
Comment: Affects a glycine residue in a Gly-X-Y motif in the triple helical region of the COL4A1 gene, where the majority of pathogenic missense variants occur, and is predicted to disrupt normal protein folding and function (HGMD; PMID: 22522439, 23225343); In silico analysis supports that this missense variant has a deleterious effect on protein structure/function; Not observed at significant frequency in large population cohorts (gnomAD); This variant is associated with the following publications: (PMID: 30413629, 22522439, 23225343, 40055992)